The following is an entry in ClinVar:

NM_014049.5(ACAD9):c.152A>T (p.Lys51Ile)

Gene: ACAD9 (acyl-CoA dehydrogenase family member 9; plus strand). Cytogenetic location: 3q21.3.
Variant type: single nucleotide variant.
Coding change: c.152A>T on transcript NM_014049.5 (MANE Select); coding-DNA position 152, A replaced by T.
Protein change: p.Lys51Ile; replaces lysine 51 with isoleucine.
Molecular consequence: missense variant. On other transcripts: non-coding transcript variant (1).
Genome position (GRCh38, 1-based): chr3:128,884,654, A>T. VCF-style: chr3-128884654-A-T. GRCh37 (hg19) VCF-style: chr3-128603497-A-T.
Other names: p.K51I:AAA>ATA; p.Lys51Ile; short protein forms K51I.
Identifiers: ClinVar variation 214010 (VCV000214010.18), dbSNP rs149931573, ClinGen allele CA320956.

ClinVar aggregate classification (germline): Uncertain significance. Review status: criteria provided, multiple submitters, no conflicts (2 of 4 stars). 7 submissions from 7 submitters: Uncertain significance (6). 1 of the submissions does not count toward it. Last evaluated 2025-10-01.

Conditions:
Acyl-CoA dehydrogenase 9 deficiency. Also called: Acyl-CoA dehydrogenase family, member 9, deficiency of; MITOCHONDRIAL COMPLEX I DEFICIENCY, NUCLEAR TYPE 20. Identifiers: Orphanet 99901, MedGen C4747517, MONDO:0012624, OMIM 611126.

Allele frequency attached by ClinVar (database versions not stated): gnomAD exomes 0.00016 and 0.00022; ExAC 0.00019; gnomAD 0.00039 and 0.00041; 1000 Genomes Project 0.00060; 1000 Genomes Project 30x 0.00062; TOPMed 0.00066.
gnomAD v4.1: 302 of 1,605,640 alleles (0.019%); highest among the groups gnomAD compares: Admixed American, 0.098%; no homozygotes.

Submissions (11):

GeneDx
Classification: Uncertain significance. Last evaluated: 2025-10-01. Review status: criteria provided, single submitter. Criteria: GeneDx Variant Classification Process June 2021. Collection method: clinical testing. Allele origin: germline. Affected: yes.
Comment: Reported as a variant of uncertain significance in a patient with leukoencephalopathy, deafness and brain abnormalities found on MRI who was found to have a second variant in the ACAD9 (PMID: 30831263); In silico analysis supports that this missense variant has a deleterious effect on protein structure/function; In silico analysis suggests this variant may impact gene splicing. In the absence of RNA/functional studies, the actual effect of this sequence change is unknown; This variant is associated with the following publications: (PMID: 30831263, 38465286)

Mayo Clinic Laboratories, Mayo Clinic
Classification: Uncertain significance. Last evaluated: 2024-09-24. Review status: criteria provided, single submitter. Criteria: ACMG Guidelines, 2015. Collection method: clinical testing. Allele origin: germline. Observed: 1 variant allele.

Labcorp Genetics (formerly Invitae), Labcorp
Classification: Uncertain significance. Last evaluated: 2022-08-16. Review status: criteria provided, single submitter. Criteria: Invitae Variant Classification Sherloc (09022015). Collection method: clinical testing. Allele origin: germline.
Comment: This sequence change replaces lysine, which is basic and polar, with isoleucine, which is neutral and non-polar, at codon 51 of the ACAD9 protein (p.Lys51Ile). This variant is present in population databases (rs149931573, gnomAD 0.1%). This missense change has been observed in individual(s) with clinical features of ACAD9-related conditions (PMID: 30831263). ClinVar contains an entry for this variant (Variation ID: 214010). Algorithms developed to predict the effect of missense changes on protein structure and function (SIFT, PolyPhen-2, Align-GVGD) all suggest that this variant is likely to be tolerated. Algorithms developed to predict the effect of sequence changes on RNA splicing suggest that this variant may create or strengthen a splice site. In summary, the available evidence is currently insufficient to determine the role of this variant in disease. Therefore, it has been classified as a Variant of Uncertain Significance.

Fulgent Genetics
Classification: Uncertain significance for Acyl-CoA dehydrogenase 9 deficiency. Last evaluated: 2022-05-02. Review status: criteria provided, single submitter. Criteria: ACMG Guidelines, 2015. Collection method: clinical testing. Allele origin: unknown.

Illumina Laboratory Services, Illumina
Classification: Uncertain significance for Acyl-CoA dehydrogenase 9 deficiency. Last evaluated: 2018-01-13. Review status: criteria provided, single submitter. Criteria: ICSL Variant Classification Criteria 13 December 2019. Collection method: clinical testing. Allele origin: germline.

Breakthrough Genomics
Classification: Uncertain significance. Review status: criteria provided, single submitter. Criteria: ACMG Guidelines, 2015. Collection method: not provided. Allele origin: germline. Inheritance: Autosomal recessive inheritance. Affected: yes.

Natera, Inc.
Classification: Likely benign for ACAD9 deficiency. Last evaluated: 2019-11-11. Review status: no assertion criteria provided. Collection method: clinical testing. Allele origin: germline. Not counted in ClinVar's aggregate classification.

Dr. Peter K. Rogan Lab, Western University
No classification provided (evidence only). Condition: Clear cell carcinoma of kidney. Review status: no classification provided. Collection method: in vitro. Allele origin: not applicable. Functional consequence: skipped exon. Not counted in ClinVar's aggregate classification.

Dr. Peter K. Rogan Lab, Western University
No classification provided (evidence only). Condition: Colon adenocarcinoma. Review status: no classification provided. Collection method: in vitro. Allele origin: not applicable. Functional consequence: skipped exon, retained intron. Not counted in ClinVar's aggregate classification.

Dr. Peter K. Rogan Lab, Western University
No classification provided (evidence only). Condition: Ovarian serous cystadenocarcinoma. Review status: no classification provided. Collection method: in vitro. Allele origin: not applicable. Functional consequence: retained intron. Not counted in ClinVar's aggregate classification.

Dr. Peter K. Rogan Lab, Western University
No classification provided (evidence only). Condition: Gastric cancer. Review status: no classification provided. Collection method: in vitro. Allele origin: not applicable. Functional consequence: skipped exon, retained intron. Not counted in ClinVar's aggregate classification.

Literature cited by the submitters: PubMed 30831263 (cited by Mayo Clinic Laboratories, Mayo Clinic and Labcorp Genetics (formerly Invitae), Labcorp).